The following is an entry in ClinVar:

NM_001005242.3(PKP2):c.773A>T (p.Lys258Met)

Gene: PKP2 (plakophilin 2; minus strand). Cytogenetic location: 12p11.21.
Variant type: single nucleotide variant.
Coding change: c.773A>T on transcript NM_001005242.3 (MANE Select); coding-DNA position 773, A replaced by T.
Protein change: p.Lys258Met; replaces lysine 258 with methionine.
Molecular consequence: missense variant.
Genome position (GRCh38, 1-based): chr12:32,878,107, T>A on the plus strand (A>T on the coding strand, the complement: PKP2 is on the minus strand). VCF-style: chr12-32878107-T-A. GRCh37 (hg19) VCF-style: chr12-33031041-T-A.
Other names: c.446A>T, p.Lys149Met (NM_001407158.1, NM_001407159.1, NM_001407160.1 and 1 more transcripts); c.773A>T, p.Lys258Met (NM_001407161.1, NM_004572.4, NM_001407155.1 and 2 more transcripts); short protein forms K149M, K258M.
Identifiers: ClinVar variation 3661351 (VCV003661351.2).

ClinVar aggregate classification (germline): Uncertain significance (1 of 4 stars; one submission).

Conditions:
Arrhythmogenic right ventricular dysplasia 9 (ARVD9). Also called: Arrhythmogenic Right Ventricular Dysplasia/Cardiomyopathy 9; ARRHYTHMOGENIC RIGHT VENTRICULAR DYSPLASIA, FAMILIAL, 9. Identifiers: MedGen C1836906, MONDO:0012180, OMIM 609040.

Submission:

Labcorp Genetics (formerly Invitae), Labcorp
Classification: Uncertain significance for Arrhythmogenic right ventricular dysplasia 9. Last evaluated: 2024-08-04. Review status: criteria provided, single submitter. Criteria: Invitae Variant Classification Sherloc (09022015). Collection method: clinical testing. Allele origin: germline.
Comment: This sequence change replaces lysine, which is basic and polar, with methionine, which is neutral and non-polar, at codon 258 of the PKP2 protein (p.Lys258Met). This variant is not present in population databases (gnomAD no frequency). This variant has not been reported in the literature in individuals affected with PKP2-related conditions. An algorithm developed to predict the effect of missense changes on protein structure and function (PolyPhen-2) suggests that this variant is likely to be disruptive. In summary, the available evidence is currently insufficient to determine the role of this variant in disease. Therefore, it has been classified as a Variant of Uncertain Significance.